The following is an entry in ClinVar:

ClinVar aggregate classification (germline): Uncertain significance. Review status: criteria provided, multiple submitters, no conflicts (2 of 4 stars). 2 submissions from 2 submitters: Uncertain significance (2). Last evaluated 2025-08-04.

Conditions:
Inborn genetic diseases. Identifiers: MedGen C0950123, MeSH D030342.

gnomAD v4.1: 4 of 1,614,164 alleles (0.00025%); highest among the groups gnomAD compares: Non-Finnish European, 0.000085%; no homozygotes.

Submissions (2):

Ambry Genetics
Classification: Uncertain significance for Inborn genetic diseases. Last evaluated: 2025-08-04. Review status: criteria provided, single submitter. Criteria: Ambry Variant Classification Scheme 2023. Collection method: clinical testing. Allele origin: germline.

Labcorp Genetics (formerly Invitae), Labcorp
Classification: Uncertain significance. Last evaluated: 2024-09-19. Review status: criteria provided, single submitter. Criteria: Invitae Variant Classification Sherloc (09022015). Collection method: clinical testing. Allele origin: germline.
Comment: This sequence change replaces isoleucine, which is neutral and non-polar, with serine, which is neutral and polar, at codon 1087 of the FOCAD protein (p.Ile1087Ser). This variant is present in population databases (rs375267140, gnomAD 0.01%). This variant has not been reported in the literature in individuals affected with FOCAD-related conditions. Experimental studies and prediction algorithms are not available or were not evaluated, and the functional significance of this variant is currently unknown. In summary, the available evidence is currently insufficient to determine the role of this variant in disease. Therefore, it has been classified as a Variant of Uncertain Significance.

NM_001375567.1(FOCAD):c.3260T>G (p.Ile1087Ser)

Gene: FOCAD (focadhesin; plus strand). Cytogenetic location: 9p21.3.
Variant type: single nucleotide variant.
Coding change: c.3260T>G on transcript NM_001375567.1 (MANE Select); coding-DNA position 3260, T replaced by G.
Protein change: p.Ile1087Ser; replaces isoleucine 1087 with serine.
Molecular consequence: missense variant.
Genome position (GRCh38, 1-based): chr9:20,929,539, T>G. VCF-style: chr9-20929539-T-G. GRCh37 (hg19) VCF-style: chr9-20929538-T-G.
Other names: c.3155T>G, p.Ile1052Ser (NM_001375568.1, NM_001375570.1); c.3260T>G, p.Ile1087Ser (NM_017794.5); c.3260T>G (NM_017794.3); short protein forms I1087S, I1052S.
Identifiers: ClinVar variation 3645363 (VCV003645363.3).